The following is an entry in ClinVar:

NM_000038.6(APC):c.611T>C (p.Leu204Pro)

Gene: APC (APC regulator of Wnt signaling pathway; plus strand). Cytogenetic location: 5q22.2.
Variant type: single nucleotide variant.
Coding change: c.611T>C on transcript NM_000038.6 (MANE Select); coding-DNA position 611, T replaced by C.
Protein change: p.Leu204Pro; replaces leucine 204 with proline.
Molecular consequence: missense variant. On other transcripts: 5 prime UTR variant (4), non-coding transcript variant (2).
Genome position (GRCh38, 1-based): chr5:112,780,869, T>C. VCF-style: chr5-112780869-T-C. GRCh37 (hg19) VCF-style: chr5-112116566-T-C.
Other names: c.611T>C, p.Leu204Pro (NM_001127510.3, NM_001354895.2, NM_001354896.2 and 16 more transcripts); c.641T>C, p.Leu214Pro (NM_001127511.3, NM_001354897.2, NM_001354902.2 and 1 more transcripts); c.536T>C, p.Leu179Pro (NM_001354898.2, NM_001354904.2, NM_001407451.1); c.434T>C, p.Leu145Pro (NM_001354900.2, NM_001354901.2, NM_001354905.2 and 1 more transcripts); c.-425T>C (NM_001354906.2, NM_001407470.1, NM_001407471.1 and 1 more transcripts); short protein forms L179P, L145P, L204P, L214P.
Identifiers: ClinVar variation 2831826 (VCV002831826.3), dbSNP rs2149640511, ClinGen allele CA16022676.

ClinVar aggregate classification (germline): Uncertain significance (1 of 4 stars; one submission).

Conditions:
Familial adenomatous polyposis 1 (FAP1). Also called: FAMILIAL ADENOMATOUS POLYPOSIS 1, ATTENUATED; POLYPOSIS, ADENOMATOUS INTESTINAL. Identifiers: MedGen C2713442, MONDO:0021056, OMIM 175100. Disease mechanism: loss of function.

Submission:

Labcorp Genetics (formerly Invitae), Labcorp
Classification: Uncertain significance for Familial adenomatous polyposis 1. Last evaluated: 2024-03-02. Review status: criteria provided, single submitter. Criteria: Invitae Variant Classification Sherloc (09022015). Collection method: clinical testing. Allele origin: germline.
Comment: This sequence change replaces leucine, which is neutral and non-polar, with proline, which is neutral and non-polar, at codon 204 of the APC protein (p.Leu204Pro). This variant is not present in population databases (gnomAD no frequency). This variant has not been reported in the literature in individuals affected with APC-related conditions. Advanced modeling of protein sequence and biophysical properties (such as structural, functional, and spatial information, amino acid conservation, physicochemical variation, residue mobility, and thermodynamic stability) performed at Invitae indicates that this missense variant is not expected to disrupt APC protein function with a negative predictive value of 95%. In summary, the available evidence is currently insufficient to determine the role of this variant in disease. Therefore, it has been classified as a Variant of Uncertain Significance.